The following is an entry in ClinVar:

ClinVar aggregate classification (germline): Uncertain significance (1 of 4 stars; one submission).

Conditions:
Mitochondrial complex II deficiency, nuclear type 1. Also called: SUCCINATE CoQ REDUCTASE DEFICIENCY. Identifiers: Orphanet 3208, MedGen C5700310, MONDO:0100294, OMIM 252011.
Pheochromocytoma/paraganglioma syndrome 5. Also called: Paragangliomas 5; SDHA-Related Hereditary Paraganglioma-Pheochromocytoma Syndrome. Identifiers: Orphanet 29072, MedGen C3279992, MONDO:0013602, OMIM 614165.

Submission:

Labcorp Genetics (formerly Invitae), Labcorp
Classification: Uncertain significance for Pheochromocytoma/paraganglioma syndrome 5; Mitochondrial complex II deficiency, nuclear type 1. Last evaluated: 2025-06-03. Review status: criteria provided, single submitter. Criteria: Invitae Variant Classification Sherloc (09022015). Collection method: clinical testing. Allele origin: germline.
Comment: This sequence change replaces aspartic acid, which is acidic and polar, with tyrosine, which is neutral and polar, at codon 289 of the SDHA protein (p.Asp289Tyr). This variant is not present in population databases (gnomAD no frequency). This variant has not been reported in the literature in individuals affected with SDHA-related conditions. ClinVar contains an entry for this variant (Variation ID: 1385251). Invitae Evidence Modeling of protein sequence and biophysical properties (such as structural, functional, and spatial information, amino acid conservation, physicochemical variation, residue mobility, and thermodynamic stability) has been performed for this missense variant. However, the output from this modeling did not meet the statistical confidence thresholds required to predict the impact of this variant on SDHA protein function. In summary, the available evidence is currently insufficient to determine the role of this variant in disease. Therefore, it has been classified as a Variant of Uncertain Significance.

NM_004168.4(SDHA):c.865G>T (p.Asp289Tyr)

Gene: SDHA (succinate dehydrogenase complex flavoprotein subunit A; plus strand). Cytogenetic location: 5p15.33.
Variant type: single nucleotide variant.
Coding change: c.865G>T on transcript NM_004168.4 (MANE Select); coding-DNA position 865, G replaced by T.
Protein change: p.Asp289Tyr; replaces aspartic acid 289 with tyrosine.
Molecular consequence: missense variant.
Genome position (GRCh38, 1-based): chr5:230,970, G>T. VCF-style: chr5-230970-G-T. GRCh37 (hg19) VCF-style: chr5-231085-G-T.
Other names: c.721G>T, p.Asp241Tyr (NM_001294332.2); c.865G>T, p.Asp289Tyr (NM_001330758.2); short protein forms D241Y, D289Y.
Identifiers: ClinVar variation 1385251 (VCV001385251.8), dbSNP rs2126568625, ClinGen allele CA359011947.